The following is an entry in ClinVar:

NM_000206.3(IL2RG):c.268_269del (p.Trp90fs)

Gene: IL2RG (interleukin 2 receptor subunit gamma; minus strand). Cytogenetic location: Xq13.1.
Variant type: Deletion.
Coding change: c.268_269del on transcript NM_000206.3 (MANE Select); coding-DNA positions 268 to 269, 2 bases deleted (TG; older notation c.268_269delTG).
Protein change: p.Trp90fs; shifts the reading frame from tryptophan 90.
Molecular consequence: frameshift variant.
Genome position (GRCh38, 1-based): chrX:71,110,897-71,110,898, CA deleted on the plus strand (TG on the coding strand, the reverse complement: IL2RG is on the minus strand). VCF-style (leftmost placement, unchanged base first): chrX-71110896-CCA-C. GRCh37 (hg19) VCF-style: chrX-70330746-CCA-C.
Other names: short protein forms W90fs.
Identifiers: ClinVar variation 2824962 (VCV002824962.3), dbSNP rs2519647893, ClinGen allele CA2739273591.

ClinVar aggregate classification (germline): Pathogenic (1 of 4 stars; one submission).

Conditions:
X-linked severe combined immunodeficiency (SCIDX1). Also called: X-Linked Combined Immunodeficiency Diseases; IMMUNODEFICIENCY 4; SCID, X-LINKED; SEVERE COMBINED IMMUNODEFICIENCY, X-LINKED, T CELL-NEGATIVE, B CELL-POSITIVE, NK CELL-NEGATIVE; T-B+ severe combined immunodeficiency due to gamma chain deficiency. Identifiers: Orphanet 276, MedGen C6022468, MONDO:0010315, OMIM 300400. Disease mechanism: loss of function.

Submission:

Labcorp Genetics (formerly Invitae), Labcorp
Classification: Pathogenic for X-linked severe combined immunodeficiency. Last evaluated: 2023-01-10. Review status: criteria provided, single submitter. Criteria: Invitae Variant Classification Sherloc (09022015). Collection method: clinical testing. Allele origin: germline.
Comment: This variant is not present in population databases (gnomAD no frequency). For these reasons, this variant has been classified as Pathogenic. Algorithms developed to predict the effect of sequence changes on RNA splicing suggest that this variant may disrupt the consensus splice site. This variant has not been reported in the literature in individuals affected with IL2RG-related conditions. This sequence change creates a premature translational stop signal (p.Trp90Valfs*6) in the IL2RG gene. It is expected to result in an absent or disrupted protein product. Loss-of-function variants in IL2RG are known to be pathogenic (PMID: 9058718, 10794430).

Literature cited by the submitters: PubMed 9058718; PubMed 10794430.